The following is an entry in ClinVar:

NM_021098.3(CACNA1H):c.4786C>T (p.Arg1596Cys)

Gene: CACNA1H (calcium voltage-gated channel subunit alpha1 H; plus strand). Cytogenetic location: 16p13.3.
Variant type: single nucleotide variant.
Coding change: c.4786C>T on transcript NM_021098.3 (MANE Select); coding-DNA position 4786, C replaced by T.
Protein change: p.Arg1596Cys; replaces arginine 1596 with cysteine.
Molecular consequence: missense variant.
Genome position (GRCh38, 1-based): chr16:1,213,788, C>T. VCF-style: chr16-1213788-C-T. GRCh37 (hg19) VCF-style: chr16-1263788-C-T.
Other names: c.4768C>T, p.Arg1590Cys (NM_001005407.2); short protein forms R1590C, R1596C.
Identifiers: ClinVar variation 1062037 (VCV001062037.8), dbSNP rs1248000181, ClinGen allele CA394145116.

ClinVar aggregate classification (germline): Benign/Likely benign. Review status: criteria provided, multiple submitters, no conflicts (2 of 4 stars). 2 submissions from 2 submitters: Benign (1); Likely benign (1). Last evaluated 2024-12-24.

Conditions:
Hyperaldosteronism, familial, type IV (HALD4). Also called: FH IV; ALDOSTERONISM, PRIMARY, AND HYPERTENSION. Identifiers: Orphanet 642671, MedGen C4310756, MONDO:0014875, OMIM 617027.
Idiopathic generalized epilepsy. Also called: Generalised epilepsy; EIG. Identifiers: MedGen C0270850, MONDO:0005579, OMIM 600669.

gnomAD v4.1: 42 of 1,558,176 alleles (0.0027%); highest among the groups gnomAD compares: Middle Eastern, 0.017%; 1 homozygote.

Submissions (2):

Women's Health and Genetics/Laboratory Corporation of America, LabCorp
Classification: Likely benign. Last evaluated: 2024-12-24. Review status: criteria provided, single submitter. Criteria: LabCorp Variant Classification Summary - May 2015. Collection method: clinical testing. Allele origin: germline.
Comment: Variant summary: CACNA1H c.4786C>T (p.Arg1596Cys) results in a non-conservative amino acid change located in the Ion transport domain (IPR005821) of the encoded protein sequence. Three of five in-silico tools predict a damaging effect of the variant on protein function. The variant allele was found at a frequency of 2.6e-05 in 1551274 control chromosomes, predominantly at a frequency of 3e-05 within the Non-Finnish European subpopulation in the gnomAD database, including 1 homozygote. This allele frequency together with the homozygous occurrence, suggests that the variant is not causal for a dominant, high penetrance, early onset disease phenotype. To our knowledge, no occurrence of c.4786C>T in individuals affected with Idiopathic Generalized Epilepsy and no experimental evidence demonstrating its impact on protein function have been reported. ClinVar contains an entry for this variant (Variation ID: 1062037). Based on the evidence outlined above, the variant was classified as likely benign.

Labcorp Genetics (formerly Invitae), Labcorp
Classification: Benign for Idiopathic generalized epilepsy; Hyperaldosteronism, familial, type IV. Last evaluated: 2022-11-23. Review status: criteria provided, single submitter. Criteria: Invitae Variant Classification Sherloc (09022015). Collection method: clinical testing. Allele origin: germline.